The following is an entry in ClinVar:

ClinVar aggregate classification (germline): Uncertain significance. Review status: criteria provided, multiple submitters, no conflicts (2 of 4 stars). 5 submissions from 3 submitters: Uncertain significance (5). Last evaluated 2024-08-29.

Conditions:
Charcot-Marie-Tooth disease axonal type 2X. Also called: CHARCOT-MARIE-TOOTH DISEASE, AXONAL, AUTOSOMAL RECESSIVE, TYPE 2X; CHARCOT-MARIE-TOOTH NEUROPATHY, TYPE 2X. Identifiers: Orphanet 466775, MedGen C5569024, MONDO:0014726, OMIM 616668.
Hereditary spastic paraplegia 11. Also called: Spastic paraplegia, mental retardation and thin corpus callosum; SPASTIC PARAPLEGIA, AUTOSOMAL RECESSIVE, COMPLICATED, WITH THIN CORPUS CALLOSUM; SPASTIC PARAPLEGIA, AUTOSOMAL RECESSIVE, WITH MENTAL IMPAIRMENT AND THIN CORPUS CALLOSUM; Spastic Paraplegia 11; Nakamura Osame syndrome; Autosomal recessive hereditary spastic paraplegia, mental impairment, and thin corpus callosum. Identifiers: Orphanet 2822, MedGen C1858479, MONDO:0011445, OMIM 604360.
Amyotrophic lateral sclerosis type 5 (ALS5). Also called: AMYOTROPHIC LATERAL SCLEROSIS 5, JUVENILE. Identifiers: Orphanet 300605, MedGen C1865864, MONDO:0011196, OMIM 602099.

Allele frequency attached by ClinVar (database versions not stated): TOPMed below 0.00001; ExAC 0.00001; gnomAD 0.00001; gnomAD exomes 0.00001.

Submissions (5):

Labcorp Genetics (formerly Invitae), Labcorp
Classification: Uncertain significance for Hereditary spastic paraplegia 11. Last evaluated: 2024-08-29. Review status: criteria provided, single submitter. Criteria: Invitae Variant Classification Sherloc (09022015). Collection method: clinical testing. Allele origin: germline.
Comment: This sequence change replaces threonine, which is neutral and polar, with methionine, which is neutral and non-polar, at codon 1581 of the SPG11 protein (p.Thr1581Met). This variant is present in population databases (rs766297012, gnomAD 0.006%). This variant has not been reported in the literature in individuals affected with SPG11-related conditions. ClinVar contains an entry for this variant (Variation ID: 241595). An algorithm developed to predict the effect of missense changes on protein structure and function outputs the following: PolyPhen-2: "Benign". The methionine amino acid residue is found in multiple mammalian species, which suggests that this missense change does not adversely affect protein function. In summary, the available evidence is currently insufficient to determine the role of this variant in disease. Therefore, it has been classified as a Variant of Uncertain Significance.

GeneDx
Classification: Uncertain significance. Last evaluated: 2022-02-01. Review status: criteria provided, single submitter. Criteria: GeneDx Variant Classification Process June 2021. Collection method: clinical testing. Allele origin: germline. Affected: yes.
Comment: Not observed at significant frequency in large population cohorts (gnomAD); In silico analysis supports that this missense variant does not alter protein structure/function; Has not been previously published as pathogenic or benign to our knowledge

Genome-Nilou Lab
Classification: Uncertain significance for Amyotrophic lateral sclerosis type 5. Review status: criteria provided, single submitter. Criteria: ACMG Guidelines, 2015. Collection method: clinical testing. Allele origin: germline.

Genome-Nilou Lab
Classification: Uncertain significance for Charcot-Marie-Tooth disease axonal type 2X. Review status: criteria provided, single submitter. Criteria: ACMG Guidelines, 2015. Collection method: clinical testing. Allele origin: germline.

Genome-Nilou Lab
Classification: Uncertain significance for Hereditary spastic paraplegia 11. Review status: criteria provided, single submitter. Criteria: ACMG Guidelines, 2015. Collection method: clinical testing. Allele origin: germline.

NM_025137.4(SPG11):c.4742C>T (p.Thr1581Met)

Gene: SPG11 (SPG11 vesicle trafficking associated, spatacsin; minus strand). Cytogenetic location: 15q21.1.
Variant type: single nucleotide variant.
Coding change: c.4742C>T on transcript NM_025137.4 (MANE Select); coding-DNA position 4742, C replaced by T.
Protein change: p.Thr1581Met; replaces threonine 1581 with methionine.
Molecular consequence: missense variant.
Genome position (GRCh38, 1-based): chr15:44,592,332, G>A on the plus strand (C>T on the coding strand, the complement: SPG11 is on the minus strand). VCF-style: chr15-44592332-G-A. GRCh37 (hg19) VCF-style: chr15-44884530-G-A.
Other names: c.4742C>T, p.Thr1581Met (NM_001160227.2); short protein forms T1581M.
Identifiers: ClinVar variation 241595 (VCV000241595.10), dbSNP rs766297012, ClinGen allele CA7534608.